The following is an entry in ClinVar:

ClinVar aggregate classification (germline): Uncertain significance (1 of 4 stars; one submission).

Conditions:
Lysinuric protein intolerance (LPI). Identifiers: Orphanet 470, MedGen C0268647, MONDO:0009109, OMIM 222700.

Submission:

Labcorp Genetics (formerly Invitae), Labcorp
Classification: Uncertain significance for Lysinuric protein intolerance. Last evaluated: 2019-01-29. Review status: criteria provided, single submitter. Criteria: Invitae Variant Classification Sherloc (09022015). Collection method: clinical testing. Allele origin: germline.
Comment: This sequence change replaces alanine with proline at codon 157 of the SLC7A7 protein (p.Ala157Pro). The alanine residue is highly conserved and there is a small physicochemical difference between alanine and proline. This variant is not present in population databases (ExAC no frequency). This variant has not been reported in the literature in individuals with SLC7A7-related conditions. Algorithms developed to predict the effect of missense changes on protein structure and function are either unavailable or do not agree on the potential impact of this missense change (SIFT: "Tolerated"; PolyPhen-2: "Possibly Damaging"; Align-GVGD: "Class C0"). In summary, the available evidence is currently insufficient to determine the role of this variant in disease. Therefore, it has been classified as a Variant of Uncertain Significance.

NM_003982.4(SLC7A7):c.469G>C (p.Ala157Pro)

Gene: SLC7A7 (solute carrier family 7 member 7; minus strand). Cytogenetic location: 14q11.2.
Variant type: single nucleotide variant.
Coding change: c.469G>C on transcript NM_003982.4 (MANE Select); coding-DNA position 469, G replaced by C.
Protein change: p.Ala157Pro; replaces alanine 157 with proline.
Molecular consequence: missense variant.
Genome position (GRCh38, 1-based): chr14:22,812,930, C>G on the plus strand (G>C on the coding strand, the complement: SLC7A7 is on the minus strand). VCF-style: chr14-22812930-C-G. GRCh37 (hg19) VCF-style: chr14-23282139-C-G.
Other names: c.469G>C, p.Ala157Pro (NM_001126105.3, NM_001126106.4); short protein forms A157P.
Identifiers: ClinVar variation 838864 (VCV000838864.9), dbSNP rs2039337757, ClinGen allele CA388921956.